The following is an entry in ClinVar:

NM_003500.4(ACOX2):c.1784C>G (p.Ala595Gly)

Gene: ACOX2 (acyl-CoA oxidase 2; minus strand). Cytogenetic location: 3p14.3.
Variant type: single nucleotide variant.
Coding change: c.1784C>G on transcript NM_003500.4 (MANE Select); coding-DNA position 1784, C replaced by G.
Protein change: p.Ala595Gly; replaces alanine 595 with glycine.
Molecular consequence: missense variant.
Genome position (GRCh38, 1-based): chr3:58,517,272, G>C on the plus strand (C>G on the coding strand, the complement: ACOX2 is on the minus strand). VCF-style: chr3-58517272-G-C. GRCh37 (hg19) VCF-style: chr3-58502999-G-C.
Other names: c.1784C>G (NM_003500.3); short protein forms A595G.
Identifiers: ClinVar variation 2042166 (VCV002042166.5), dbSNP rs140407587, ClinGen allele CA2471953.

ClinVar aggregate classification (germline): Conflicting classifications of pathogenicity. Review status: criteria provided, conflicting classifications (1 of 4 stars). 2 submissions from 2 submitters: Uncertain significance (1); Likely benign (1). Last evaluated 2024-05-24.

Allele frequency attached by ClinVar (database versions not stated): TOPMed 0.00012; ESP Exome Variant Server 0.00008; gnomAD exomes 0.00001; ExAC 0.00002.
gnomAD v4.1: 28 of 1,614,054 alleles (0.0017%); highest among the groups gnomAD compares: African/African-American, 0.029%; no homozygotes.

Submissions (2):

Labcorp Genetics (formerly Invitae), Labcorp
Classification: Uncertain significance. Last evaluated: 2024-05-24. Review status: criteria provided, single submitter. Criteria: Invitae Variant Classification Sherloc (09022015). Collection method: clinical testing. Allele origin: germline.
Comment: This sequence change replaces alanine, which is neutral and non-polar, with glycine, which is neutral and non-polar, at codon 595 of the ACOX2 protein (p.Ala595Gly). This variant is present in population databases (rs140407587, gnomAD 0.02%). This variant has not been reported in the literature in individuals affected with ACOX2-related conditions. ClinVar contains an entry for this variant (Variation ID: 2042166). Advanced modeling of protein sequence and biophysical properties (such as structural, functional, and spatial information, amino acid conservation, physicochemical variation, residue mobility, and thermodynamic stability) performed at Invitae indicates that this missense variant is not expected to disrupt ACOX2 protein function with a negative predictive value of 80%. In summary, the available evidence is currently insufficient to determine the role of this variant in disease. Therefore, it has been classified as a Variant of Uncertain Significance.

Ambry Genetics
Classification: Likely benign. Last evaluated: 2023-11-13. Review status: criteria provided, single submitter. Criteria: Ambry Variant Classification Scheme 2023. Collection method: clinical testing. Allele origin: germline.